The following is an entry in ClinVar:

ClinVar aggregate classification (germline): Likely benign. Review status: criteria provided, multiple submitters, no conflicts (2 of 4 stars). 2 submissions from 2 submitters: Likely benign (2). Last evaluated 2026-05-27.

Conditions:
WFS1-related disorder. Identifiers: MedGen CN379391, MONDO:0700293.

gnomAD v4.1: 4 of 1,611,586 alleles (0.00025%); highest among the groups gnomAD compares: Non-Finnish European, 0.00034%; no homozygotes.

Submissions (2):

PreventionGenetics, part of Exact Sciences
Classification: Likely benign for WFS1-related condition. Last evaluated: 2026-05-27. Review status: criteria provided, single submitter. Criteria: ACMG Guidelines, 2015. Collection method: clinical testing. Allele origin: germline.
Comment: This variant is classified as likely benign based on ACMG/AMP sequence variant interpretation guidelines (Richards et al. 2015 PMID: 25741868, with internal and published modifications).

Labcorp Genetics (formerly Invitae), Labcorp
Classification: Likely benign. Last evaluated: 2025-03-05. Review status: criteria provided, single submitter. Criteria: Invitae Variant Classification Sherloc (09022015). Collection method: clinical testing. Allele origin: germline.

NM_006005.3(WFS1):c.1449C>G (p.Val483=)

Gene: WFS1 (wolframin ER transmembrane glycoprotein; plus strand). Cytogenetic location: 4p16.1.
Variant type: single nucleotide variant.
Coding change: c.1449C>G on transcript NM_006005.3 (MANE Select); coding-DNA position 1449, C replaced by G.
Protein change: p.Val483=; no amino-acid change (valine 483 retained).
Molecular consequence: synonymous variant.
Genome position (GRCh38, 1-based): chr4:6,301,244, C>G. VCF-style: chr4-6301244-C-G. GRCh37 (hg19) VCF-style: chr4-6302971-C-G.
Other names: c.1449C>G, p.Val483= (NM_001145853.1).
Identifiers: ClinVar variation 4748747 (VCV004748747.2).